The following is an entry in ClinVar:

ClinVar aggregate classification (germline): Uncertain significance. Review status: criteria provided, multiple submitters, no conflicts (2 of 4 stars). 2 submissions from 2 submitters: Uncertain significance (2). Last evaluated 2024-06-19.

Allele frequency attached by ClinVar (database versions not stated): gnomAD exomes below 0.00001; gnomAD 0.00001.
gnomAD v4.1: 7 of 1,612,476 alleles (0.00043%); highest among the groups gnomAD compares: Admixed American, 0.0033%; no homozygotes.

Submissions (2):

Labcorp Genetics (formerly Invitae), Labcorp
Classification: Uncertain significance. Last evaluated: 2024-06-19. Review status: criteria provided, single submitter. Criteria: Invitae Variant Classification Sherloc (09022015). Collection method: clinical testing. Allele origin: germline.
Comment: This sequence change replaces isoleucine, which is neutral and non-polar, with valine, which is neutral and non-polar, at codon 783 of the MCM4 protein (p.Ile783Val). This variant is present in population databases (no rsID available, gnomAD 0.003%). This variant has not been reported in the literature in individuals affected with MCM4-related conditions. ClinVar contains an entry for this variant (Variation ID: 2550232). Advanced modeling of protein sequence and biophysical properties (such as structural, functional, and spatial information, amino acid conservation, physicochemical variation, residue mobility, and thermodynamic stability) performed at Invitae indicates that this missense variant is not expected to disrupt MCM4 protein function with a negative predictive value of 80%. Algorithms developed to predict the effect of sequence changes on RNA splicing suggest that this variant may create or strengthen a splice site. In summary, the available evidence is currently insufficient to determine the role of this variant in disease. Therefore, it has been classified as a Variant of Uncertain Significance.

Ambry Genetics
Classification: Uncertain significance. Last evaluated: 2023-05-23. Review status: criteria provided, single submitter. Criteria: Ambry Variant Classification Scheme 2023. Collection method: clinical testing. Allele origin: germline.

NM_182746.3(MCM4):c.2347A>G (p.Ile783Val)

Gene: MCM4 (minichromosome maintenance complex component 4; plus strand). Cytogenetic location: 8q11.21.
Variant type: single nucleotide variant.
Coding change: c.2347A>G on transcript NM_182746.3 (MANE Select); coding-DNA position 2347, A replaced by G.
Protein change: p.Ile783Val; replaces isoleucine 783 with valine.
Molecular consequence: missense variant.
Genome position (GRCh38, 1-based): chr8:47,974,944, A>G. VCF-style: chr8-47974944-A-G. GRCh37 (hg19) VCF-style: chr8-48887504-A-G.
Other names: c.2347A>G, p.Ile783Val (NM_005914.4); short protein forms I783V.
Identifiers: ClinVar variation 2550232 (VCV002550232.4), dbSNP rs955851112, ClinGen allele CA176158823.